The following is an entry in ClinVar:

ClinVar aggregate classification (germline): Pathogenic/Likely pathogenic. Review status: criteria provided, multiple submitters, no conflicts (2 of 4 stars). 3 submissions from 3 submitters: Pathogenic (2); Likely pathogenic (1). Last evaluated 2023-07-10.

Conditions:
Granulomatous disease, chronic, autosomal recessive, cytochrome b-negative. Also called: CGD DUE TO DEFICIENCY OF THE ALPHA SUBUNIT OF CYTOCHROME b; CGD, AUTOSOMAL RECESSIVE CYTOCHROME b-NEGATIVE; CYBA DEFICIENCY; Chronic granulomatous disease, autosomal, due to deficiency of CYBA; GRANULOMATOUS DISEASE, CHRONIC, AUTOSOMAL RECESSIVE, 4. Identifiers: Orphanet 379, MedGen C1856255, MONDO:0009308, OMIM 233690.
CYBA-related disorder. Also called: CYBA-related condition.

Submissions (3):

Labcorp Genetics (formerly Invitae), Labcorp
Classification: Pathogenic for Granulomatous disease, chronic, autosomal recessive, cytochrome b-negative. Last evaluated: 2023-07-10. Review status: criteria provided, single submitter. Criteria: Invitae Variant Classification Sherloc (09022015). Collection method: clinical testing. Allele origin: germline.
Comment: This sequence change creates a premature translational stop signal (p.Val99Profs*90) in the CYBA gene. While this is not anticipated to result in nonsense mediated decay, it is expected to disrupt the last 97 amino acid(s) of the CYBA protein. For these reasons, this variant has been classified as Pathogenic. This variant disrupts a region of the CYBA protein in which other variant(s) (p.Ile116Leufs*75) have been determined to be pathogenic (PMID: 18422995, 19292887, 20167518, 27980538). This suggests that this is a clinically significant region of the protein, and that variants that disrupt it are likely to be disease-causing. ClinVar contains an entry for this variant (Variation ID: 2137853). This premature translational stop signal has been observed in individual(s) with clinical features of chronic granulomatous disease (PMID: 16937026, 18546332, 22562447, 23002911). This variant is not present in population databases (gnomAD no frequency).

Eurofins-Biomnis
Classification: Likely pathogenic for Granulomatous disease, chronic, autosomal recessive, cytochrome b-negative. Last evaluated: 2022-12-13. Review status: criteria provided, single submitter. Criteria: Accession Criteria ClinVar Biomnis. Collection method: clinical testing. Allele origin: biparental. Affected: yes. Observed: 1 homozygote.

Blueprint Genetics
Classification: Pathogenic for CYBA-related disorders. Last evaluated: 2022-09-22. Review status: criteria provided, single submitter. Criteria: ACMG Guidelines, 2015. Collection method: clinical testing. Allele origin: germline. Affected: yes. Observed: 5 variant alleles.

Literature cited by the submitters: PubMed 18422995 (cited by Labcorp Genetics (formerly Invitae), Labcorp); PubMed 19292887 (cited by Labcorp Genetics (formerly Invitae), Labcorp); PubMed 20167518 (cited by Labcorp Genetics (formerly Invitae), Labcorp); PubMed 27980538 (cited by Labcorp Genetics (formerly Invitae), Labcorp); PubMed 16937026 (cited by Labcorp Genetics (formerly Invitae), Labcorp); PubMed 18546332 (cited by Labcorp Genetics (formerly Invitae), Labcorp); PubMed 22562447 (cited by Labcorp Genetics (formerly Invitae), Labcorp); PubMed 23002911 (cited by Labcorp Genetics (formerly Invitae), Labcorp).

NM_000101.4(CYBA):c.295_301del (p.Val99fs)

Gene: CYBA (cytochrome b-245 alpha chain; minus strand). Cytogenetic location: 16q24.2.
Variant type: Deletion.
Coding change: c.295_301del on transcript NM_000101.4 (MANE Select); coding-DNA positions 295 to 301, 7 bases deleted (GTGCCCG; older notation c.295_301delGTGCCCG).
Protein change: p.Val99fs; shifts the reading frame from valine 99.
Molecular consequence: frameshift variant.
Genome position (GRCh38, 1-based): chr16:88,646,184-88,646,190, CGGGCAC deleted on the plus strand (GTGCCCG on the coding strand, the reverse complement: CYBA is on the minus strand); deleting any 7 consecutive bases within chr16:88,646,184-88,646,192 gives the same sequence; the c. name uses the placement nearest the transcript's 3' end. VCF-style (leftmost placement, unchanged base first): chr16-88646183-GCGGGCAC-G. GRCh37 (hg19) VCF-style: chr16-88712591-GCGGGCAC-G.
Other names: short protein forms V99fs.
Identifiers: ClinVar variation 2137853 (VCV002137853.6), dbSNP rs2507528036, ClinGen allele CA2522627356.